The following is an entry in ClinVar:

ClinVar aggregate classification (germline): Uncertain significance (1 of 4 stars; one submission).

Conditions:
Hereditary cancer-predisposing syndrome. Also called: Neoplastic Syndromes, Hereditary; Tumor predisposition; Hereditary neoplastic syndrome; Hereditary Cancer Syndrome. Identifiers: Orphanet 140162, MedGen C0027672, MeSH D009386, MONDO:0015356.

Submission:

Ambry Genetics
Classification: Uncertain significance for Hereditary cancer-predisposing syndrome. Last evaluated: 2019-11-05. Review status: criteria provided, single submitter. Criteria: Ambry Variant Classification Scheme 2023. Collection method: clinical testing. Allele origin: germline.
Comment: The p.P149R variant (also known as c.446C>G), located in coding exon 4 of the BARD1 gene, results from a C to G substitution at nucleotide position 446. The proline at codon 149 is replaced by arginine, an amino acid with dissimilar properties. This amino acid position is highly conserved in available vertebrate species. In addition, this alteration is predicted to be deleterious by in silico analysis. Since supporting evidence is limited at this time, the clinical significance of this alteration remains unclear.

NM_000465.4(BARD1):c.446C>G (p.Pro149Arg)

Gene: BARD1 (BRCA1 associated RING domain 1; minus strand). Cytogenetic location: 2q35.
Variant type: single nucleotide variant.
Coding change: c.446C>G on transcript NM_000465.4 (MANE Select); coding-DNA position 446, C replaced by G.
Protein change: p.Pro149Arg; replaces proline 149 with arginine.
Molecular consequence: missense variant. On other transcripts: non-coding transcript variant (2), intron variant (3).
Genome position (GRCh38, 1-based): chr2:214,781,428, G>C on the plus strand (C>G on the coding strand, the complement: BARD1 is on the minus strand). VCF-style: chr2-214781428-G-C. GRCh37 (hg19) VCF-style: chr2-215646152-G-C.
Other names: c.389C>G, p.Pro130Arg (NM_001282543.2); c.158+27984C>G (NM_001282548.2); c.215+15633C>G (NM_001282545.2); c.364+10869C>G (NM_001282549.2); short protein forms P130R, P149R.
Identifiers: ClinVar variation 824912 (VCV000824912.4), dbSNP rs1574821459, ClinGen allele CA350457722.